The following is an entry in ClinVar:

NM_152564.5(VPS13B):c.677A>C (p.Asp226Ala)

Gene: VPS13B (vacuolar protein sorting 13 homolog B; plus strand). Cytogenetic location: 8q22.2.
Variant type: single nucleotide variant.
Coding change: c.677A>C on transcript NM_152564.5 (MANE Select); coding-DNA position 677, A replaced by C.
Protein change: p.Asp226Ala; replaces aspartic acid 226 with alanine.
Molecular consequence: missense variant. On other transcripts: non-coding transcript variant (1).
Genome position (GRCh38, 1-based): chr8:99,111,194, A>C. VCF-style: chr8-99111194-A-C. GRCh37 (hg19) VCF-style: chr8-100123422-A-C.
Other names: c.677A>C, p.Asp226Ala (NM_015243.3, NM_017890.5, NM_181661.3); short protein forms D226A.
Identifiers: ClinVar variation 5001468 (VCV005001468.1).

ClinVar aggregate classification (germline): Uncertain significance (1 of 4 stars; one submission).

Conditions:
VPS13B-related disorder. Also called: VPS13B-related condition.

Submission:

PreventionGenetics, part of Exact Sciences
Classification: Uncertain significance for VPS13B-related condition. Last evaluated: 2025-05-07. Review status: criteria provided, single submitter. Criteria: ACMG Guidelines, 2015. Collection method: clinical testing. Allele origin: germline.
Comment: The VPS13B c.677A>C variant is predicted to result in the amino acid substitution p.Asp226Ala. To our knowledge, this variant has not been reported in the literature or in a large population database (gnomAD), indicating this variant is rare. At this time, the clinical significance of this variant is uncertain due to the absence of conclusive functional and genetic evidence.